The following is an entry in ClinVar:

NM_006231.4(POLE):c.3038G>C (p.Trp1013Ser)

Gene: POLE (DNA polymerase epsilon, catalytic subunit; minus strand). Cytogenetic location: 12q24.33.
Variant type: single nucleotide variant.
Coding change: c.3038G>C on transcript NM_006231.4 (MANE Select); coding-DNA position 3038, G replaced by C.
Protein change: p.Trp1013Ser; replaces tryptophan 1013 with serine.
Molecular consequence: missense variant.
Genome position (GRCh38, 1-based): chr12:132,660,991, C>G on the plus strand (G>C on the coding strand, the complement: POLE is on the minus strand). VCF-style: chr12-132660991-C-G. GRCh37 (hg19) VCF-style: chr12-133237577-C-G.
Other names: short protein forms W1013S.
Identifiers: ClinVar variation 3671125 (VCV003671125.2).

ClinVar aggregate classification (germline): Uncertain significance (1 of 4 stars; one submission).

gnomAD v4.1: 2 of 1,612,916 alleles (0.00012%); highest among the groups gnomAD compares: Non-Finnish European, 0.00017%; no homozygotes.

Submission:

Labcorp Genetics (formerly Invitae), Labcorp
Classification: Uncertain significance. Last evaluated: 2026-01-19. Review status: criteria provided, single submitter. Criteria: Invitae Variant Classification Sherloc (09022015). Collection method: clinical testing. Allele origin: germline.
Comment: This sequence change replaces tryptophan, which is neutral and slightly polar, with serine, which is neutral and polar, at codon 1013 of the POLE protein (p.Trp1013Ser). This variant is present in population databases (rs778450132, gnomAD 0.0009%). This variant has not been reported in the literature in individuals affected with POLE-related conditions. ClinVar contains an entry for this variant (Variation ID: 3671125). Invitae Evidence Modeling of protein sequence and biophysical properties (such as structural, functional, and spatial information, amino acid conservation, physicochemical variation, residue mobility, and thermodynamic stability) indicates that this missense variant is expected to disrupt POLE protein function with a positive predictive value of 80%. In summary, the available evidence is currently insufficient to determine the role of this variant in disease. Therefore, it has been classified as a Variant of Uncertain Significance.